The following is an entry in ClinVar:

ClinVar aggregate classification (germline): Likely benign (1 of 4 stars; one submission).

Allele frequency attached by ClinVar (database versions not stated): ExAC 0.00009; ESP Exome Variant Server 0.00009; TOPMed 0.00009; gnomAD 0.00012; gnomAD exomes 0.00014.
gnomAD v4.1: 156 of 1,187,151 alleles (0.013%); highest among the groups gnomAD compares: Non-Finnish European, 0.017%; no homozygotes.

Submission:

CeGaT Center for Human Genetics Tuebingen
Classification: Likely benign. Last evaluated: 2023-01-01. Review status: criteria provided, single submitter. Criteria: CeGaT Center For Human Genetics Tuebingen Variant Classification Criteria Version 2. Collection method: clinical testing. Allele origin: germline. Affected: yes. Observed: 2 variant alleles.
Comment: ADGRG4: BP4, BP7, BS2

NM_153834.4(ADGRG4):c.9012G>A (p.Gly3004=)

Gene: ADGRG4 (adhesion G protein-coupled receptor G4; plus strand). Cytogenetic location: Xq26.3.
Variant type: single nucleotide variant.
Coding change: c.9012G>A on transcript NM_153834.4 (MANE Select); coding-DNA position 9012, G replaced by A.
Protein change: p.Gly3004=; no amino-acid change (glycine 3004 retained).
Molecular consequence: synonymous variant.
Genome position (GRCh38, 1-based): chrX:136,412,341, G>A. VCF-style: chrX-136412341-G-A. GRCh37 (hg19) VCF-style: chrX-135494500-G-A.
Identifiers: ClinVar variation 2661517 (VCV002661517.24), dbSNP rs146635325, ClinGen allele CA10527285.
Genomic context (GRCh38, chrX:136,412,341, plus strand): 5'-GTTTCACTGTGTGATGAAGGAGAGTGTGCGGGAGCAGTGGCAGATACACCTCTGCTGTGG[G>A]TGGTTGCGATTGGATAACTCTTCTGGTAAGATGTCAGTTTGGATGAAGTTTTGAATATTA-3'
Protein context (NP_722576.3, residues 2994-3014): REQWQIHLCC[Gly3004=]WLRLDNSSDG